The following is an entry in ClinVar:

NM_001080467.3(MYO5B):c.2651G>A (p.Arg884Gln)

Gene: MYO5B (myosin VB; minus strand). Cytogenetic location: 18q21.1.
Variant type: single nucleotide variant.
Coding change: c.2651G>A on transcript NM_001080467.3 (MANE Select); coding-DNA position 2651, G replaced by A.
Protein change: p.Arg884Gln; replaces arginine 884 with glutamine.
Molecular consequence: missense variant.
Genome position (GRCh38, 1-based): chr18:49,902,754, C>T on the plus strand (G>A on the coding strand, the complement: MYO5B is on the minus strand). VCF-style: chr18-49902754-C-T. GRCh37 (hg19) VCF-style: chr18-47429124-C-T.
Other names: short protein forms R884Q.
Identifiers: ClinVar variation 4696417 (VCV004696417.1).

ClinVar aggregate classification (germline): Uncertain significance (1 of 4 stars; one submission).

gnomAD v4.1: 15 of 1,607,292 alleles (0.00093%); highest among the groups gnomAD compares: Non-Finnish European, 0.0012%; no homozygotes.

Submission:

Labcorp Genetics (formerly Invitae), Labcorp
Classification: Uncertain significance. Last evaluated: 2025-11-01. Review status: criteria provided, single submitter. Criteria: Invitae Variant Classification Sherloc (09022015). Collection method: clinical testing. Allele origin: germline.
Comment: This sequence change replaces arginine, which is basic and polar, with glutamine, which is neutral and polar, at codon 884 of the MYO5B protein (p.Arg884Gln). This variant is present in population databases (rs375546772, gnomAD 0.008%). This variant has not been reported in the literature in individuals affected with MYO5B-related conditions. Invitae Evidence Modeling of protein sequence and biophysical properties (such as structural, functional, and spatial information, amino acid conservation, physicochemical variation, residue mobility, and thermodynamic stability) indicates that this missense variant is not expected to disrupt MYO5B protein function with a negative predictive value of 80%. In summary, the available evidence is currently insufficient to determine the role of this variant in disease. Therefore, it has been classified as a Variant of Uncertain Significance.